The following is an entry in ClinVar:

NM_001190274.2(FBXO11):c.90G>A (p.Gln30=)

Genes: FBXO11 (F-box protein 11; minus strand), LOC100506235 (uncharacterized LOC100506235; plus strand). Cytogenetic location: 2p16.3.
Variant type: single nucleotide variant.
Coding change: c.90G>A on transcript NM_001190274.2 (MANE Select); coding-DNA position 90, G replaced by A.
Protein change: p.Gln30=; no amino-acid change (glutamine 30 retained).
Molecular consequence: synonymous variant. On other transcripts: non-coding transcript variant (1).
Genome position (GRCh38, 1-based): chr2:47,905,631, C>T on the plus strand (G>A on the coding strand, the complement: FBXO11 is on the minus strand). VCF-style: chr2-47905631-C-T. GRCh37 (hg19) VCF-style: chr2-48132770-C-T.
Other names: c.90G>A (NM_001190274.1).
Identifiers: ClinVar variation 2175453 (VCV002175453.5), dbSNP rs1213604404, ClinGen allele CA426085606.
Genomic context (GRCh38, chr2:47,905,631, plus strand): 5'-CTGCGGCGGCGGCGGAGGCTGCTGCTGGGGCGGCTGCTGCTGGGGCGGCTGCGGCGGCGG[C>T]TGCTGCGGGGGCTGCTGCTGCTGTTGCTGCACCGGGCGCGGCCGCGACACTCGCCTGGGT-3'
Protein context (NP_001177203.1, residues 20-40): VQQQQQQPPQ[Gln30=]PPPQPPQQQP

ClinVar aggregate classification (germline): Likely benign. Review status: criteria provided, multiple submitters, no conflicts (2 of 4 stars). 2 submissions from 2 submitters: Likely benign (2). Last evaluated 2026-01-11.

Conditions:
FBXO11-related disorder. Also called: FBXO11-related condition.

Allele frequency attached by ClinVar (database versions not stated): gnomAD exomes 0.00001; gnomAD 0.00003.

Submissions (2):

Labcorp Genetics (formerly Invitae), Labcorp
Classification: Likely benign. Last evaluated: 2026-01-11. Review status: criteria provided, single submitter. Criteria: Invitae Variant Classification Sherloc (09022015). Collection method: clinical testing. Allele origin: germline.

PreventionGenetics, part of Exact Sciences
Classification: Likely benign for FBXO11-related condition. Last evaluated: 2024-10-02. Review status: criteria provided, single submitter. Criteria: ACMG Guidelines, 2015. Collection method: clinical testing. Allele origin: germline.
Comment: This variant is classified as likely benign based on ACMG/AMP sequence variant interpretation guidelines (Richards et al. 2015 PMID: 25741868, with internal and published modifications).